The following is an entry in ClinVar:

NM_000264.5(PTCH1):c.4132A>G (p.Thr1378Ala)

Gene: PTCH1 (patched 1; minus strand). Cytogenetic location: 9q22.32.
Variant type: single nucleotide variant.
Coding change: c.4132A>G on transcript NM_000264.5 (MANE Select); coding-DNA position 4132, A replaced by G.
Protein change: p.Thr1378Ala; replaces threonine 1378 with alanine.
Molecular consequence: missense variant. On other transcripts: non-coding transcript variant (1).
Genome position (GRCh38, 1-based): chr9:95,447,124, T>C on the plus strand (A>G on the coding strand, the complement: PTCH1 is on the minus strand). VCF-style: chr9-95447124-T-C. GRCh37 (hg19) VCF-style: chr9-98209406-T-C.
Other names: c.3934A>G, p.Thr1312Ala (NM_001083602.3); c.4129A>G, p.Thr1377Ala (NM_001083603.3); c.3679A>G, p.Thr1227Ala (NM_001083604.3, NM_001083605.3, NM_001083606.3 and 1 more transcripts); c.3976A>G, p.Thr1326Ala (NM_001354918.2); short protein forms T1312A, T1377A, T1227A, T1326A, T1378A.
Identifiers: ClinVar variation 4146862 (VCV004146862.1).

ClinVar aggregate classification (germline): Uncertain significance (1 of 4 stars; one submission).

Conditions:
Hereditary cancer-predisposing syndrome. Also called: Hereditary neoplastic syndrome; Neoplastic Syndromes, Hereditary; Tumor predisposition; Hereditary Cancer Syndrome. Identifiers: Orphanet 140162, MedGen C0027672, MeSH D009386, MONDO:0015356.

Submission:

Ambry Genetics
Classification: Uncertain significance for Hereditary cancer-predisposing syndrome. Last evaluated: 2025-07-10. Review status: criteria provided, single submitter. Criteria: Ambry Variant Classification Scheme 2023. Collection method: clinical testing. Allele origin: germline.
Comment: The p.T1378A variant (also known as c.4132A>G), located in coding exon 23 of the PTCH1 gene, results from an A to G substitution at nucleotide position 4132. The threonine at codon 1378 is replaced by alanine, an amino acid with similar properties. This amino acid position is conserved. In addition, this alteration is predicted to be deleterious by in silico analysis. Based on the available evidence, the clinical significance of this variant remains unclear.